The following is an entry in ClinVar:

NM_004281.4(BAG3):c.1402G>A (p.Val468Met)

Gene: BAG3 (BAG cochaperone 3; plus strand). Cytogenetic location: 10q26.11.
Variant type: single nucleotide variant.
Coding change: c.1402G>A on transcript NM_004281.4 (MANE Select); coding-DNA position 1402, G replaced by A.
Protein change: p.Val468Met; replaces valine 468 with methionine.
Molecular consequence: missense variant.
Genome position (GRCh38, 1-based): chr10:119,676,956, G>A. VCF-style: chr10-119676956-G-A. GRCh37 (hg19) VCF-style: chr10-121436468-G-A.
Other names: short protein forms V468M.
Identifiers: ClinVar variation 1771846 (VCV001771846.4), dbSNP rs2494023977, ClinGen allele CA378297248.
Genomic context (GRCh38, chr10:119,676,956, plus strand): 5'-GACAAAAAGTACCTGATGATCGAAGAGTATTTGACCAAAGAGCTGCTGGCCCTGGATTCA[G>A]TGGACCCCGAGGGACGAGCCGATGTGCGTCAGGCCAGGAGAGACGGTGTCAGGAAGGTTC-3'
Protein context (NP_004272.2, residues 458-478): LTKELLALDS[Val468Met]DPEGRADVRQ

ClinVar aggregate classification (germline): Uncertain significance. Review status: criteria provided, multiple submitters, no conflicts (2 of 4 stars). 2 submissions from 2 submitters: Uncertain significance (2). Last evaluated 2025-02-05.

Conditions:
Dilated cardiomyopathy 1HH (CMD1HH). Identifiers: Orphanet 154, MedGen C3151293, MONDO:0013479, OMIM 613881.
Myofibrillar myopathy 6. Identifiers: Orphanet 199340, MedGen C2751831, MONDO:0013061, OMIM 612954.
Cardiovascular phenotype. Identifiers: MedGen CN230736.

Submissions (2):

Labcorp Genetics (formerly Invitae), Labcorp
Classification: Uncertain significance for Dilated cardiomyopathy 1HH; Myofibrillar myopathy 6. Last evaluated: 2025-02-05. Review status: criteria provided, single submitter. Criteria: Invitae Variant Classification Sherloc (09022015). Collection method: clinical testing. Allele origin: germline.
Comment: This sequence change replaces valine, which is neutral and non-polar, with methionine, which is neutral and non-polar, at codon 468 of the BAG3 protein (p.Val468Met). This variant is not present in population databases (gnomAD no frequency). This missense change has been observed in individual(s) with dilated cardiomyopathy (PMID: 21459883). ClinVar contains an entry for this variant (Variation ID: 1771846). Invitae Evidence Modeling of protein sequence and biophysical properties (such as structural, functional, and spatial information, amino acid conservation, physicochemical variation, residue mobility, and thermodynamic stability) indicates that this missense variant is expected to disrupt BAG3 protein function with a positive predictive value of 80%. In summary, the available evidence is currently insufficient to determine the role of this variant in disease. Therefore, it has been classified as a Variant of Uncertain Significance.

Ambry Genetics
Classification: Uncertain significance for Cardiovascular phenotype. Last evaluated: 2018-09-13. Review status: criteria provided, single submitter. Criteria: Ambry Variant Classification Scheme 2023. Collection method: clinical testing. Allele origin: germline.
Comment: The p.V468M variant (also known as c.1402G>A), located in coding exon 4 of the BAG3 gene, results from a G to A substitution at nucleotide position 1402. The valine at codon 468 is replaced by methionine, an amino acid with highly similar properties. This variant was reported in an individual with familial dilated cardiomyopathy (DCM), and it segregated with disease in the only affected family member who had genetic testing (Villard E et al. Eur. Heart J., 2011 May;32:1065-76). This amino acid position is highly conserved in available vertebrate species. In addition, this alteration is predicted to be deleterious by in silico analysis. Since supporting evidence is limited at this time, the clinical significance of this alteration remains unclear.

Literature cited by the submitters: PubMed 21459883 (cited by Labcorp Genetics (formerly Invitae), Labcorp and Ambry Genetics).